The following is an entry in ClinVar:

NM_144997.7(FLCN):c.1561T>G (p.Phe521Val)

Gene: FLCN (folliculin; minus strand). Cytogenetic location: 17p11.2.
Variant type: single nucleotide variant.
Coding change: c.1561T>G on transcript NM_144997.7 (MANE Select); coding-DNA position 1561, T replaced by G.
Protein change: p.Phe521Val; replaces phenylalanine 521 with valine.
Molecular consequence: missense variant.
Genome position (GRCh38, 1-based): chr17:17,213,834, A>C on the plus strand (T>G on the coding strand, the complement: FLCN is on the minus strand). VCF-style: chr17-17213834-A-C. GRCh37 (hg19) VCF-style: chr17-17117148-A-C.
Other names: c.1615T>G, p.Phe539Val (NM_001353229.2); c.1561T>G, p.Phe521Val (NM_001353230.2, NM_001353231.2); short protein forms F521V, F539V.
Identifiers: ClinVar variation 4025323 (VCV004025323.1).

ClinVar aggregate classification (germline): Uncertain significance (1 of 4 stars; one submission).

Conditions:
Hereditary cancer-predisposing syndrome. Also called: Tumor predisposition; Hereditary neoplastic syndrome; Neoplastic Syndromes, Hereditary; Hereditary Cancer Syndrome. Identifiers: Orphanet 140162, MedGen C0027672, MeSH D009386, MONDO:0015356.

Submission:

Ambry Genetics
Classification: Uncertain significance for Hereditary cancer-predisposing syndrome. Last evaluated: 2025-05-31. Review status: criteria provided, single submitter. Criteria: Ambry Variant Classification Scheme 2023. Collection method: clinical testing. Allele origin: germline.
Comment: The p.F521V variant (also known as c.1561T>G), located in coding exon 11 of the FLCN gene, results from a T to G substitution at nucleotide position 1561. The phenylalanine at codon 521 is replaced by valine, an amino acid with highly similar properties. This amino acid position is conserved. In addition, this alteration is predicted to be deleterious by in silico analysis. Based on the available evidence, the clinical significance of this variant remains unclear.